The following is an entry in ClinVar:

NM_001375905.1(SGMS2):c.833T>A (p.Ile278Asn)

Genes: CYP2U1-AS1 (CYP2U1 and SGMS2 antisense RNA 1; minus strand), SGMS2 (sphingomyelin synthase 2; plus strand). Cytogenetic location: 4q25.
Variant type: single nucleotide variant.
Coding change: c.833T>A on transcript NM_001375905.1 (MANE Select); coding-DNA position 833, T replaced by A.
Protein change: p.Ile278Asn; replaces isoleucine 278 with asparagine.
Molecular consequence: missense variant. On other transcripts: intron variant (1).
Genome position (GRCh38, 1-based): chr4:107,908,670, T>A. VCF-style: chr4-107908670-T-A. GRCh37 (hg19) VCF-style: chr4-108829826-T-A.
Other names: c.833T>A, p.Ile278Asn (NM_001136257.2, NM_001136258.2, NM_001375906.1 and 3 more transcripts); c.314T>A, p.Ile105Asn (NM_001375911.1); c.728-1680T>A (NM_001375910.1); short protein forms I105N, I278N.
Identifiers: ClinVar variation 2050526 (VCV002050526.4), dbSNP rs775260795, ClinGen allele CA3036880.

ClinVar aggregate classification (germline): Uncertain significance (1 of 4 stars; one submission).

Allele frequency attached by ClinVar (database versions not stated): ExAC 0.00001; gnomAD 0.00001; gnomAD exomes 0.00001.
gnomAD v4.1: 22 of 1,614,000 alleles (0.0014%); highest among the groups gnomAD compares: Non-Finnish European, 0.0017%; no homozygotes.

Submission:

Labcorp Genetics (formerly Invitae), Labcorp
Classification: Uncertain significance. Last evaluated: 2022-08-16. Review status: criteria provided, single submitter. Criteria: Invitae Variant Classification Sherloc (09022015). Collection method: clinical testing. Allele origin: germline.
Comment: This sequence change replaces isoleucine, which is neutral and non-polar, with asparagine, which is neutral and polar, at codon 278 of the SGMS2 protein (p.Ile278Asn). This variant is present in population databases (rs775260795, gnomAD 0.006%). This variant has not been reported in the literature in individuals affected with SGMS2-related conditions. Algorithms developed to predict the effect of missense changes on protein structure and function are either unavailable or do not agree on the potential impact of this missense change (SIFT: "Deleterious"; PolyPhen-2: "Possibly Damaging"; Align-GVGD: "Class C0"). In summary, the available evidence is currently insufficient to determine the role of this variant in disease. Therefore, it has been classified as a Variant of Uncertain Significance.